The following is an entry in ClinVar:

ClinVar aggregate classification (germline): Pathogenic (1 of 4 stars; one submission).

Conditions:
Spastic paraplegia. Identifiers: MedGen C0037772, HP:0001258.

Submission:

Labcorp Genetics (formerly Invitae), Labcorp
Classification: Pathogenic for Spastic paraplegia. Last evaluated: 2023-11-21. Review status: criteria provided, single submitter. Criteria: Invitae Variant Classification Sherloc (09022015). Collection method: clinical testing. Allele origin: germline.
Comment: This sequence change creates a premature translational stop signal (p.Trp569Glyfs*12) in the SACS gene. It is expected to result in an absent or disrupted protein product. Loss-of-function variants in SACS are known to be pathogenic (PMID: 18465152, 20876471). This variant is not present in population databases (gnomAD no frequency). This variant has not been reported in the literature in individuals affected with SACS-related conditions. ClinVar contains an entry for this variant (Variation ID: 1453705). For these reasons, this variant has been classified as Pathogenic.

Literature cited by the submitters: PubMed 18465152; PubMed 20876471.

NM_014363.6(SACS):c.1705_1706del (p.Trp569fs)

Gene: SACS (sacsin molecular chaperone; minus strand). Cytogenetic location: 13q12.12.
Variant type: Deletion.
Coding change: c.1705_1706del on transcript NM_014363.6 (MANE Select); coding-DNA positions 1705 to 1706, 2 bases deleted (TG; older notation c.1705_1706delTG).
Protein change: p.Trp569fs; shifts the reading frame from tryptophan 569.
Molecular consequence: frameshift variant.
Genome position (GRCh38, 1-based): chr13:23,354,906-23,354,907, CA deleted on the plus strand (TG on the coding strand, the reverse complement: SACS is on the minus strand). VCF-style (leftmost placement, unchanged base first): chr13-23354905-CCA-C. GRCh37 (hg19) VCF-style: chr13-23929044-CCA-C.
Other names: c.1264_1265del, p.Trp422fs (NM_001278055.2); short protein forms W422fs, W569fs.
Identifiers: ClinVar variation 1453705 (VCV001453705.6), dbSNP rs2137719772, ClinGen allele CA2573149127.